The following is an entry in ClinVar:

ClinVar aggregate classification (germline): Pathogenic (1 of 4 stars; one submission).

Submission:

Labcorp Genetics (formerly Invitae), Labcorp
Classification: Pathogenic. Last evaluated: 2020-08-20. Review status: criteria provided, single submitter. Criteria: Invitae Variant Classification Sherloc (09022015). Collection method: clinical testing. Allele origin: germline.
Comment: For these reasons, this variant has been classified as Pathogenic. Loss-of-function variants in TTPA are known to be pathogenic (PMID: 9463307, 26068213). This variant has not been reported in the literature in individuals with TTPA-related conditions. The frequency data for this variant in the population databases is considered unreliable, as metrics indicate insufficient coverage at this position in the ExAC database. This sequence change creates a premature translational stop signal (p.Asp60Glyfs*16) in the TTPA gene. It is expected to result in an absent or disrupted protein product.

Literature cited by the submitters: PubMed 9463307; PubMed 26068213.

NM_000370.3(TTPA):c.178dup (p.Asp60fs)

Gene: TTPA (alpha tocopherol transfer protein; minus strand). Cytogenetic location: 8q12.3.
Variant type: Duplication.
Coding change: c.178dup on transcript NM_000370.3 (MANE Select); coding-DNA position 178, one base duplicated (G; older notation c.178dupG).
Protein change: p.Asp60fs; shifts the reading frame from aspartic acid 60.
Molecular consequence: frameshift variant.
Genome position (GRCh38, 1-based): chr8:63,085,844, C duplicated on the plus strand (G on the coding strand, the reverse complement: TTPA is on the minus strand); the first of 3 consecutive C bases (chr8:63,085,844-63,085,846); duplicating any one gives the same sequence. VCF-style (leftmost placement, unchanged base first): chr8-63085843-T-TC. GRCh37 (hg19) VCF-style: chr8-63998402-T-TC.
Other names: short protein forms D60fs.
Identifiers: ClinVar variation 1074758 (VCV001074758.7), dbSNP rs2129795580, ClinGen allele CA2499219384.